The following is an entry in ClinVar:

NM_032776.3(JMJD1C):c.2035C>A (p.His679Asn)

Gene: JMJD1C (jumonji domain containing 1C; minus strand). Cytogenetic location: 10q21.3.
Variant type: single nucleotide variant.
Coding change: c.2035C>A on transcript NM_032776.3 (MANE Select); coding-DNA position 2035, C replaced by A.
Protein change: p.His679Asn; replaces histidine 679 with asparagine.
Molecular consequence: missense variant. On other transcripts: non-coding transcript variant (1).
Genome position (GRCh38, 1-based): chr10:63,214,132, G>T on the plus strand (C>A on the coding strand, the complement: JMJD1C is on the minus strand). VCF-style: chr10-63214132-G-T. GRCh37 (hg19) VCF-style: chr10-64973892-G-T.
Other names: c.1489C>A, p.His497Asn (NM_001282948.2, NM_001318154.2); c.1171C>A, p.His391Asn (NM_001318153.2); c.1921C>A, p.His641Asn (NM_001322252.2); c.1378C>A, p.His460Asn (NM_001322254.2, NM_001322258.2); short protein forms H460N, H391N, H497N, H679N, H641N.
Identifiers: ClinVar variation 2710264 (VCV002710264.3), dbSNP rs777547565, ClinGen allele CA5518696.

ClinVar aggregate classification (germline): Uncertain significance (1 of 4 stars; one submission).

Conditions:
Early Myoclonic Encephalopathy. Identifiers: MedGen C0270855.

Allele frequency attached by ClinVar (database versions not stated): gnomAD 0.00001.
gnomAD v4.1: 6 of 1,614,034 alleles (0.00037%); highest among the groups gnomAD compares: Non-Finnish European, 0.00051%; no homozygotes.

Submission:

Labcorp Genetics (formerly Invitae), Labcorp
Classification: Uncertain significance for Early Myoclonic Encephalopathy. Last evaluated: 2024-01-19. Review status: criteria provided, single submitter. Criteria: Invitae Variant Classification Sherloc (09022015). Collection method: clinical testing. Allele origin: germline.
Comment: This sequence change replaces histidine, which is basic and polar, with asparagine, which is neutral and polar, at codon 679 of the JMJD1C protein (p.His679Asn). This variant is present in population databases (rs777547565, gnomAD 0.002%). This variant has not been reported in the literature in individuals affected with JMJD1C-related conditions. Advanced modeling of protein sequence and biophysical properties (such as structural, functional, and spatial information, amino acid conservation, physicochemical variation, residue mobility, and thermodynamic stability) performed at Invitae indicates that this missense variant is not expected to disrupt JMJD1C protein function with a negative predictive value of 80%. In summary, the available evidence is currently insufficient to determine the role of this variant in disease. Therefore, it has been classified as a Variant of Uncertain Significance.